The following is an entry in ClinVar:

NM_181882.3(PRX):c.604G>T (p.Ala202Ser)

Gene: PRX (periaxin; minus strand). Cytogenetic location: 19q13.2.
Variant type: single nucleotide variant.
Coding change: c.604G>T on transcript NM_181882.3 (MANE Select); coding-DNA position 604, G replaced by T.
Protein change: p.Ala202Ser; replaces alanine 202 with serine.
Molecular consequence: missense variant. On other transcripts: 3 prime UTR variant (1).
Genome position (GRCh38, 1-based): chr19:40,397,748, C>A on the plus strand (G>T on the coding strand, the complement: PRX is on the minus strand). VCF-style: chr19-40397748-C-A. GRCh37 (hg19) VCF-style: chr19-40903655-C-A.
Other names: c.*809G>T (NM_020956.2); short protein forms A202S.
Identifiers: ClinVar variation 1051029 (VCV001051029.9), dbSNP rs759241041, ClinGen allele CA405900038.

ClinVar aggregate classification (germline): Uncertain significance (1 of 4 stars; one submission).

Conditions:
Charcot-Marie-Tooth disease type 4. Also called: Charcot-Marie-Tooth disease, type IV; Charcot-Marie-Tooth, Type 4. Identifiers: Orphanet 64749, MedGen C4082197, MONDO:0018995.

gnomAD v4.1: 1 of 1,564,170 alleles (0.000064%); highest among the groups gnomAD compares: East Asian, 0.0023%; no homozygotes.

Submission:

Labcorp Genetics (formerly Invitae), Labcorp
Classification: Uncertain significance for Charcot-Marie-Tooth disease type 4. Last evaluated: 2020-01-08. Review status: criteria provided, single submitter. Criteria: Invitae Variant Classification Sherloc (09022015). Collection method: clinical testing. Allele origin: germline.
Comment: In summary, the available evidence is currently insufficient to determine the role of this variant in disease. Therefore, it has been classified as a Variant of Uncertain Significance. Algorithms developed to predict the effect of missense changes on protein structure and function are either unavailable or do not agree on the potential impact of this missense change (SIFT: "Tolerated"; PolyPhen-2: "Possibly Damaging"; Align-GVGD: "Class C15"). This variant has not been reported in the literature in individuals with PRX-related conditions. The frequency data for this variant in the population databases is considered unreliable, as metrics indicate insufficient coverage at this position in the ExAC database. This sequence change replaces alanine with serine at codon 202 of the PRX protein (p.Ala202Ser). The alanine residue is highly conserved and there is a moderate physicochemical difference between alanine and serine.